The following is an entry in ClinVar:

NM_001182.5(ALDH7A1):c.542A>G (p.Gln181Arg)

Gene: ALDH7A1 (aldehyde dehydrogenase 7 family member A1; minus strand). Cytogenetic location: 5q23.2.
Variant type: single nucleotide variant.
Coding change: c.542A>G on transcript NM_001182.5 (MANE Select); coding-DNA position 542, A replaced by G.
Protein change: p.Gln181Arg; replaces glutamine 181 with arginine.
Molecular consequence: missense variant.
Genome position (GRCh38, 1-based): chr5:126,577,187, T>C on the plus strand (A>G on the coding strand, the complement: ALDH7A1 is on the minus strand). VCF-style: chr5-126577187-T-C. GRCh37 (hg19) VCF-style: chr5-125912879-T-C.
Other names: p.Q181R:CAG>CGG; c.458A>G, p.Gln153Arg (NM_001201377.2); c.542A>G, p.Gln181Arg (NM_001202404.2); short protein forms Q181R, Q153R.
Identifiers: ClinVar variation 204829 (VCV000204829.10), dbSNP rs796052257, ClinGen allele CA313166.
Genomic context (GRCh38, chr5:126,577,187, plus strand): 5'-TACACTGCCACAGGGAAATTGAATGCCGTGATGATTCCAACCAGGCCTACGGGATTCCAC[T>C]GCTCAATCAGTGCATGGCCAGATCCTGAGGACAGAAAAAGGATGGAACATGCAGAAGCAT-3'
Protein context (NP_001173.2, residues 171-191): SERSGHALIE[Gln181Arg]WNPVGLVGII

ClinVar aggregate classification (germline): Uncertain significance. Review status: criteria provided, multiple submitters, no conflicts (2 of 4 stars). 3 submissions from 3 submitters: Uncertain significance (3). Last evaluated 2024-08-16.

Conditions:
Pyridoxine-dependent epilepsy (EPEO4). Also called: Pyridoxine-Dependent Seizures; Pyridoxine-Dependent Epilepsy - ALDH7A1; PYRIDOXINE DEPENDENCY WITH SEIZURES; EPILEPSY, EARLY-ONSET, 4, VITAMIN B6-DEPENDENT. Identifiers: Orphanet 3006, MedGen C1849508, MONDO:0009945, OMIM 266100. Disease mechanism: loss of function.

Allele frequency attached by ClinVar (database versions not stated): TOPMed 0.00002; gnomAD 0.00001; gnomAD exomes 0.00001.
gnomAD v4.1: 22 of 1,614,052 alleles (0.0014%); highest among the groups gnomAD compares: African/African-American, 0.004%; no homozygotes.

Submissions (3):

GeneDx
Classification: Uncertain significance. Last evaluated: 2024-08-16. Review status: criteria provided, single submitter. Criteria: GeneDx Variant Classification Process June 2021. Collection method: clinical testing. Allele origin: germline. Affected: yes.
Comment: Not observed at significant frequency in large population cohorts (gnomAD); In silico analysis indicates that this missense variant does not alter protein structure/function; Has not been previously published as pathogenic or benign to our knowledge

Labcorp Genetics (formerly Invitae), Labcorp
Classification: Uncertain significance for Pyridoxine-dependent epilepsy. Last evaluated: 2024-05-15. Review status: criteria provided, single submitter. Criteria: Invitae Variant Classification Sherloc (09022015). Collection method: clinical testing. Allele origin: germline.
Comment: This sequence change replaces glutamine, which is neutral and polar, with arginine, which is basic and polar, at codon 181 of the ALDH7A1 protein (p.Gln181Arg). This variant is present in population databases (rs796052257, gnomAD 0.003%). This variant has not been reported in the literature in individuals affected with ALDH7A1-related conditions. ClinVar contains an entry for this variant (Variation ID: 204829). Advanced modeling of protein sequence and biophysical properties (such as structural, functional, and spatial information, amino acid conservation, physicochemical variation, residue mobility, and thermodynamic stability) has been performed at Invitae for this missense variant, however the output from this modeling did not meet the statistical confidence thresholds required to predict the impact of this variant on ALDH7A1 protein function. In summary, the available evidence is currently insufficient to determine the role of this variant in disease. Therefore, it has been classified as a Variant of Uncertain Significance.

Genome-Nilou Lab
Classification: Uncertain significance for Pyridoxine-dependent epilepsy. Last evaluated: 2023-04-11. Review status: criteria provided, single submitter. Criteria: ACMG Guidelines, 2015. Collection method: clinical testing. Allele origin: germline. Affected: no.